The following is an entry in ClinVar:

ClinVar aggregate classification (germline): Conflicting classifications of pathogenicity. Review status: criteria provided, conflicting classifications (1 of 4 stars). 5 submissions from 5 submitters: Uncertain significance (4); Benign (1). Last evaluated 2025-12-16.

Conditions:
Lynch syndrome. Identifiers: Orphanet 144, MedGen C4552100, MONDO:0005835. Disease mechanism: loss of function.
Hereditary cancer-predisposing syndrome. Also called: Tumor predisposition; Hereditary Cancer Syndrome; Hereditary neoplastic syndrome; Neoplastic Syndromes, Hereditary. Identifiers: Orphanet 140162, MedGen C0027672, MeSH D009386, MONDO:0015356.
Hereditary nonpolyposis colorectal neoplasms. Identifiers: MedGen C0009405, MeSH D003123.
Endometrial carcinoma. Also called: Endometrial carcinoma, somatic. Identifiers: MedGen C0476089, MONDO:0002447, OMIM 608089, HP:0012114.

Allele frequency attached by ClinVar (database versions not stated): gnomAD exomes below 0.00001; TOPMed below 0.00001.
gnomAD v4.1: 3 of 1,614,162 alleles (0.00019%); highest among the groups gnomAD compares: African/African-American, 0.0027%; no homozygotes.

Submissions (5):

Labcorp Genetics (formerly Invitae), Labcorp
Classification: Benign for Hereditary nonpolyposis colorectal neoplasms. Last evaluated: 2025-12-16. Review status: criteria provided, single submitter. Criteria: Invitae Variant Classification Sherloc (09022015). Collection method: clinical testing. Allele origin: germline.

Ambry Genetics
Classification: Uncertain significance for Hereditary cancer-predisposing syndrome. Last evaluated: 2025-12-12. Review status: criteria provided, single submitter. Criteria: Ambry Variant Classification Scheme 2023. Collection method: clinical testing. Allele origin: germline.
Comment: The p.E919D variant (also known as c.2757A>C), located in coding exon 4 of the MSH6 gene, results from an A to C substitution at nucleotide position 2757. The glutamic acid at codon 919 is replaced by aspartic acid, an amino acid with highly similar properties. This amino acid position is not well conserved in available vertebrate species. In addition, this alteration is predicted to be tolerated by in silico analysis. Based on the available evidence, the clinical significance of this variant remains unclear.

All of Us Research Program, National Institutes of Health
Classification: Uncertain significance for Lynch syndrome. Last evaluated: 2024-05-14. Review status: criteria provided, single submitter. Criteria: ACMG Guidelines, 2015. Collection method: clinical testing. Allele origin: germline. Inheritance: Autosomal dominant inheritance. Observed: 1 variant allele, 1 heterozygote.
Comment: This missense variant replaces glutamic acid with aspartic acid at codon 919 of the MSH6 protein. Computational prediction suggests that this variant may not impact protein structure and function (internally defined REVEL score threshold <= 0.5, PMID: 27666373). To our knowledge, functional studies have not been reported for this variant. This variant has not been reported in individuals affected with MSH6-related disorders in the literature. This variant has been identified in 1/250956 chromosomes in the general population by the Genome Aggregation Database (gnomAD). The available evidence is insufficient to determine the role of this variant in disease conclusively. Therefore, this variant is classified as a Variant of Uncertain Significance.

This study involves interpretation of variants in research participants for the purpose of population health screening. Participant phenotype was not available at the time of variant classification. Additional details can be found in publication PMID: 35346344, PMCID: PMC8962531

Baylor Genetics
Classification: Uncertain significance for Endometrial carcinoma. Last evaluated: 2023-09-21. Review status: criteria provided, single submitter. Criteria: ACMG Guidelines, 2015. Collection method: clinical testing. Allele origin: unknown.

Sema4
Classification: Uncertain significance for Hereditary cancer-predisposing syndrome. Last evaluated: 2022-02-05. Review status: criteria provided, single submitter. Criteria: Sema4 Curation Guidelines. Collection method: curation. Allele origin: germline.
Comment: The MSH6 c.2757A>C (p.E919D) variant has not been reported in the literature to our knowledge. This variant was observed in 1/16216 chromosomes in the African/African American population according to the Genome Aggregation Database (PMID: 32461654). The variant has been reported in ClinVar (Variation ID: 410467). Functional studies have not been performed, and in silico predictions of the variant's effect on protein function are inconclusive. The evidence is insufficient to meet ACMG/AMP criteria for classifying the variant as benign or pathogenic. Thus, the clinical significance of this variant is currently uncertain.

NM_000179.3(MSH6):c.2757A>C (p.Glu919Asp)

Gene: MSH6 (mutS homolog 6; plus strand). Cytogenetic location: 2p16.3.
Variant type: single nucleotide variant.
Coding change: c.2757A>C on transcript NM_000179.3 (MANE Select); coding-DNA position 2757, A replaced by C.
Protein change: p.Glu919Asp; replaces glutamic acid 919 with aspartic acid.
Molecular consequence: missense variant.
Genome position (GRCh38, 1-based): chr2:47,800,740, A>C. VCF-style: chr2-47800740-A-C. GRCh37 (hg19) VCF-style: chr2-48027879-A-C.
Other names: c.2367A>C, p.Glu789Asp (NM_001281492.2); c.1851A>C, p.Glu617Asp (NM_001281493.2, NM_001281494.2); short protein forms E919D, E789D, E617D.
Identifiers: ClinVar variation 410467 (VCV000410467.13), dbSNP rs866493167, ClinGen allele CA16611013.